The following is an entry in ClinVar:

ClinVar aggregate classification (germline): Uncertain significance (1 of 4 stars; one submission).

Allele frequency attached by ClinVar (database versions not stated): gnomAD exomes 0.00001; ExAC 0.00002.
gnomAD v4.1: 10 of 1,614,010 alleles (0.00062%); highest among the groups gnomAD compares: South Asian, 0.0033%; no homozygotes.

Submission:

Labcorp Genetics (formerly Invitae), Labcorp
Classification: Uncertain significance. Last evaluated: 2023-10-24. Review status: criteria provided, single submitter. Criteria: Invitae Variant Classification Sherloc (09022015). Collection method: clinical testing. Allele origin: germline.
Comment: This sequence change replaces lysine, which is basic and polar, with asparagine, which is neutral and polar, at codon 577 of the TSPEAR protein (p.Lys577Asn). This variant is present in population databases (rs782202330, gnomAD 0.007%). This variant has not been reported in the literature in individuals affected with TSPEAR-related conditions. Advanced modeling of protein sequence and biophysical properties (such as structural, functional, and spatial information, amino acid conservation, physicochemical variation, residue mobility, and thermodynamic stability) performed at Invitae indicates that this missense variant is not expected to disrupt TSPEAR protein function with a negative predictive value of 80%. In summary, the available evidence is currently insufficient to determine the role of this variant in disease. Therefore, it has been classified as a Variant of Uncertain Significance.

NM_144991.3(TSPEAR):c.1731G>C (p.Lys577Asn)

Genes: TSPEAR (thrombospondin type laminin G domain and EAR repeats; minus strand), TSPEAR-AS1 (TSPEAR antisense RNA 1; plus strand), LOC126653398 (CDK7 strongly-dependent group 2 enhancer GRCh37_chr21:45928270-45929469; plus strand). Cytogenetic location: 21q22.3.
Variant type: single nucleotide variant.
Coding change: c.1731G>C on transcript NM_144991.3 (MANE Select); coding-DNA position 1731, G replaced by C.
Protein change: p.Lys577Asn; replaces lysine 577 with asparagine.
Molecular consequence: missense variant.
Genome position (GRCh38, 1-based): chr21:44,509,222, C>G on the plus strand (G>C on the coding strand, the complement: TSPEAR is on the minus strand). VCF-style: chr21-44509222-C-G. GRCh37 (hg19) VCF-style: chr21-45929105-C-G.
Other names: c.1527G>C, p.Lys509Asn (NM_001272037.2); short protein forms K509N, K577N.
Identifiers: ClinVar variation 2903294 (VCV002903294.3), dbSNP rs782202330, ClinGen allele CA10056400.
Genomic context (GRCh38, chr21:44,509,222, plus strand): 5'-ATCAGCCCACCTCCCACTGGCCTGTGGAGGCGCATACCTGCAGGTGAGAATGTCCTGGAA[C>G]TTGACAAAGGCCTGCGCGGTCACGTTCAGCTCGTAGATGACGGAGTTGATGACATAGGAA-3'
Protein context (NP_659428.2, residues 567-587): ELNVTAQAFV[Lys577Asn]FQDILTCSAL